The following is an entry in ClinVar:

ClinVar aggregate classification (germline): Conflicting classifications of pathogenicity. Review status: criteria provided, conflicting classifications (1 of 4 stars). 5 submissions from 5 submitters: Uncertain significance (4); Likely benign (1). Last evaluated 2026-03-19.

Conditions:
Hereditary nonpolyposis colorectal neoplasms. Identifiers: MedGen C0009405, MeSH D003123.
Hereditary cancer-predisposing syndrome. Also called: Neoplastic Syndromes, Hereditary; Tumor predisposition; Hereditary neoplastic syndrome; Hereditary Cancer Syndrome. Identifiers: Orphanet 140162, MedGen C0027672, MeSH D009386, MONDO:0015356.
Endometrial carcinoma. Also called: Endometrial carcinoma, somatic. Identifiers: MedGen C0476089, MONDO:0002447, OMIM 608089, HP:0012114.

Allele frequency attached by ClinVar (database versions not stated): ExAC 0.00001; gnomAD 0.00001; TOPMed 0.00001.
gnomAD v4.1: 3 of 1,614,040 alleles (0.00019%); highest among the groups gnomAD compares: Admixed American, 0.0033%; no homozygotes.

Submissions (5):

Ambry Genetics
Classification: Uncertain significance for Hereditary cancer-predisposing syndrome. Last evaluated: 2026-03-19. Review status: criteria provided, single submitter. Criteria: Ambry Variant Classification Scheme 2023. Collection method: clinical testing. Allele origin: germline.
Comment: The p.E1163D variant (also known as c.3489A>T), located in coding exon 6 of the MSH6 gene, results from an A to T substitution at nucleotide position 3489. The glutamic acid at codon 1163 is replaced by aspartic acid, an amino acid with highly similar properties. This amino acid position is highly conserved in available vertebrate species. In addition, the in silico prediction for this alteration is inconclusive. Based on the available evidence, the clinical significance of this variant remains unclear.

Labcorp Genetics (formerly Invitae), Labcorp
Classification: Likely benign for Hereditary nonpolyposis colorectal neoplasms. Last evaluated: 2026-01-07. Review status: criteria provided, single submitter. Criteria: Invitae Variant Classification Sherloc (09022015). Collection method: clinical testing. Allele origin: germline.

Color Diagnostics, LLC DBA Color Health
Classification: Uncertain significance for Hereditary cancer-predisposing syndrome. Last evaluated: 2023-12-05. Review status: criteria provided, single submitter. Criteria: ACMG Guidelines, 2015. Collection method: clinical testing. Allele origin: germline.
Comment: This missense variant replaces glutamic acid with aspartic acid at codon 1163 of the MSH6 protein. Computational prediction is inconclusive regarding the impact of this variant on protein structure and function (internally defined REVEL score threshold 0.5 < inconclusive < 0.7, PMID: 27666373). To our knowledge, functional studies have not been reported for this variant. This variant has not been reported in individuals affected with MSH6-related disorders in the literature. This variant has been identified in 2/251382 chromosomes in the general population by the Genome Aggregation Database (gnomAD). The available evidence is insufficient to determine the role of this variant in disease conclusively. Therefore, this variant is classified as a Variant of Uncertain Significance.

Baylor Genetics
Classification: Uncertain significance for Endometrial carcinoma. Last evaluated: 2023-08-27. Review status: criteria provided, single submitter. Criteria: ACMG Guidelines, 2015. Collection method: clinical testing. Allele origin: unknown.

Quest Diagnostics Nichols Institute San Juan Capistrano
Classification: Uncertain significance. Last evaluated: 2023-06-30. Review status: criteria provided, single submitter. Criteria: Quest Diagnostics criteria. Collection method: clinical testing. Allele origin: unknown.
Comment: In the published literature, this variant has been reported in individuals with breast cancer (PMID: 35039564 (2022)). The frequency of this variant in the general population, 0.000008 (2/251382 chromosomes (Genome Aggregation Database)), is uninformative in the assessment of its pathogenicity. Analysis of this variant using bioinformatics tools for the prediction of the effect of amino acid changes on protein structure and function yielded predictions that this variant is benign. Based on the available information, we are unable to determine the clinical significance of this variant.

Literature cited by the submitters: PubMed 35039564 (cited by Quest Diagnostics Nichols Institute San Juan Capistrano).

NM_000179.3(MSH6):c.3489A>T (p.Glu1163Asp)

Gene: MSH6 (mutS homolog 6; plus strand). Cytogenetic location: 2p16.3.
Variant type: single nucleotide variant.
Coding change: c.3489A>T on transcript NM_000179.3 (MANE Select); coding-DNA position 3489, A replaced by T.
Protein change: p.Glu1163Asp; replaces glutamic acid 1163 with aspartic acid.
Molecular consequence: missense variant.
Genome position (GRCh38, 1-based): chr2:47,804,960, A>T. VCF-style: chr2-47804960-A-T. GRCh37 (hg19) VCF-style: chr2-48032099-A-T.
Other names: c.3099A>T, p.Glu1033Asp (NM_001281492.2); c.2583A>T, p.Glu861Asp (NM_001281493.2, NM_001281494.2); short protein forms E1163D, E861D, E1033D.
Identifiers: ClinVar variation 142509 (VCV000142509.22), dbSNP rs531674673, ClinGen allele CA013128.